The following is an entry in ClinVar:

ClinVar aggregate classification (germline): Uncertain significance (1 of 4 stars; one submission).

Conditions:
Combined immunodeficiency due to DOCK8 deficiency (HIES2). Also called: HYPER-IgE RECURRENT INFECTION SYNDROME 2, AUTOSOMAL RECESSIVE; HYPER-IgE SYNDROME 2, AUTOSOMAL RECESSIVE, WITH RECURRENT INFECTIONS; HIES autosomal recessive; DOCK8 Deficiency; Hyper-IgE recurrent infection syndrome, autosomal recessive. Identifiers: Orphanet 217390, MedGen C4722305, MONDO:0009478, OMIM 243700.

Allele frequency attached by ClinVar (database versions not stated): gnomAD exomes below 0.00001.
gnomAD v4.1: 1 of 1,614,204 alleles (0.000062%); highest among the groups gnomAD compares: Non-Finnish European, 0.000085%; no homozygotes.

Submission:

Labcorp Genetics (formerly Invitae), Labcorp
Classification: Uncertain significance for Combined immunodeficiency due to DOCK8 deficiency. Last evaluated: 2022-10-03. Review status: criteria provided, single submitter. Criteria: Invitae Variant Classification Sherloc (09022015). Collection method: clinical testing. Allele origin: germline.
Comment: Advanced modeling of protein sequence and biophysical properties (such as structural, functional, and spatial information, amino acid conservation, physicochemical variation, residue mobility, and thermodynamic stability) performed at Invitae indicates that this missense variant is not expected to disrupt DOCK8 protein function. In summary, the available evidence is currently insufficient to determine the role of this variant in disease. Therefore, it has been classified as a Variant of Uncertain Significance. ClinVar contains an entry for this variant (Variation ID: 1368559). This variant has not been reported in the literature in individuals affected with DOCK8-related conditions. This variant is not present in population databases (gnomAD no frequency). This sequence change replaces alanine, which is neutral and non-polar, with glycine, which is neutral and non-polar, at codon 826 of the DOCK8 protein (p.Ala826Gly).

NM_203447.4(DOCK8):c.2477C>G (p.Ala826Gly)

Gene: DOCK8 (dedicator of cytokinesis 8; plus strand). Cytogenetic location: 9p24.3.
Variant type: single nucleotide variant.
Coding change: c.2477C>G on transcript NM_203447.4 (MANE Select); coding-DNA position 2477, C replaced by G.
Protein change: p.Ala826Gly; replaces alanine 826 with glycine.
Molecular consequence: missense variant.
Genome position (GRCh38, 1-based): chr9:379,807, C>G. VCF-style: chr9-379807-C-G. GRCh37 (hg19) VCF-style: chr9-379807-C-G.
Other names: c.2273C>G, p.Ala758Gly (NM_001190458.2, NM_001193536.2); short protein forms A758G, A826G.
Identifiers: ClinVar variation 1368559 (VCV001368559.8), dbSNP rs2131283420, ClinGen allele CA372764747.
Genomic context (GRCh38, chr9:379,807, plus strand): 5'-CCCATTTTTCTCTTGGTTCCTCAGCCAACTTCTCCCAGTTTGCCTTCGAGTCCGTGGTGG[C>G]CATCGCCAACAGTCTGCACAACAGCAAGGACCTGAGCAAGGACCAGCATGGGAGGAACTG-3'
Protein context (NP_982272.2, residues 816-836): FSQFAFESVV[Ala826Gly]IANSLHNSKD